The following is an entry in ClinVar:

ClinVar aggregate classification (germline): Uncertain significance (1 of 4 stars; one submission).

Conditions:
Hereditary cancer-predisposing syndrome. Also called: Neoplastic Syndromes, Hereditary; Tumor predisposition; Hereditary Cancer Syndrome; Hereditary neoplastic syndrome. Identifiers: Orphanet 140162, MedGen C0027672, MeSH D009386, MONDO:0015356.

Submission:

Ambry Genetics
Classification: Uncertain significance for Hereditary cancer-predisposing syndrome. Last evaluated: 2026-03-05. Review status: criteria provided, single submitter. Criteria: Ambry Variant Classification Scheme 2023. Collection method: clinical testing. Allele origin: germline.
Comment: The c.18_20delCCTinsACC variant (also known as p.L7P), located in coding exon 1 of the SDHB gene, results from an in-frame deletion of CCT and insertion of ACC at nucleotide positions 18 to 20. This results in the substitution of the leucine residue for a proline residue at codon 7, an amino acid with similar properties. This amino acid position is poorly conserved in available vertebrate species. In addition, this variant is predicted to be neutral by in silico analysis (Choi Y et al. PLoS ONE. 2012; 7(10):e46688). Based on the available evidence, the clinical significance of this variant remains unclear.

NM_003000.3(SDHB):c.18_20delinsACC (p.Leu7Pro)

Gene: SDHB (succinate dehydrogenase complex iron sulfur subunit B; minus strand). Cytogenetic location: 1p36.13.
Variant type: Indel.
Coding change: c.18_20delinsACC on transcript NM_003000.3 (MANE Select); coding-DNA positions 18 to 20, CCT replaced by ACC.
Protein change: p.Leu7Pro; replaces leucine 7 with proline.
Molecular consequence: missense variant.
Genome position (GRCh38, 1-based): chr1:17,054,000-17,054,002, AGG replaced by GGT on the plus strand (CCT replaced by ACC on the coding strand, the reverse complement: SDHB is on the minus strand). VCF-style: chr1-17054000-AGG-GGT. GRCh37 (hg19) VCF-style: chr1-17380495-AGG-GGT.
Other names: c.18_20delinsACC, p.Leu7Pro (NM_001407361.1); short protein forms L7P.
Identifiers: ClinVar variation 4825765 (VCV004825765.1).
Genomic context (GRCh38, chr1:17,054,000, plus strand): 5'-GGACTCACCTGCAGGCAGGCTCCGCCAAGGGTTGTGGCCGGCAACCGGCGCCTCAAGGAG[AGG>GGT]GCGACCACCGCCGCCATCTTGGCTCCTGACGTCAGCCCCACCCCTTAACCCCGAGGTCGC-3'
Protein context (NP_002991.2, residues 1-17): MAAVVA[Leu7Pro]SLRRRLPATT